The following is an entry in ClinVar:

NM_005732.4(RAD50):c.62A>G (p.Asp21Gly)

Gene: RAD50 (RAD50 double strand break repair protein; plus strand). Cytogenetic location: 5q31.1.
Variant type: single nucleotide variant.
Coding change: c.62A>G on transcript NM_005732.4 (MANE Select); coding-DNA position 62, A replaced by G.
Protein change: p.Asp21Gly; replaces aspartic acid 21 with glycine.
Molecular consequence: missense variant.
Genome position (GRCh38, 1-based): chr5:132,557,386, A>G. VCF-style: chr5-132557386-A-G. GRCh37 (hg19) VCF-style: chr5-131893078-A-G.
Other names: short protein forms D21G.
Identifiers: ClinVar variation 1752707 (VCV001752707.2), dbSNP rs1554096641, ClinGen allele CA360951234.

ClinVar aggregate classification (germline): Uncertain significance (1 of 4 stars; one submission).

Conditions:
Hereditary cancer-predisposing syndrome. Also called: Neoplastic Syndromes, Hereditary; Tumor predisposition; Hereditary Cancer Syndrome; Hereditary neoplastic syndrome. Identifiers: Orphanet 140162, MedGen C0027672, MeSH D009386, MONDO:0015356.

Submission:

Ambry Genetics
Classification: Uncertain significance for Hereditary cancer-predisposing syndrome. Last evaluated: 2019-12-20. Review status: criteria provided, single submitter. Criteria: Ambry Variant Classification Scheme 2023. Collection method: clinical testing. Allele origin: germline.
Comment: The p.D21G variant (also known as c.62A>G), located in coding exon 1 of the RAD50 gene, results from an A to G substitution at nucleotide position 62. The aspartic acid at codon 21 is replaced by glycine, an amino acid with similar properties. This amino acid position is highly conserved in available vertebrate species. In addition, the in silico prediction for this alteration is inconclusive. Since supporting evidence is limited at this time, the clinical significance of this alteration remains unclear.